The following is an entry in ClinVar:

ClinVar aggregate classification (germline): Uncertain significance (1 of 4 stars; one submission).

Conditions:
Glanzmann thrombasthenia. Also called: Thrombasthenia; BLEEDING DISORDER, PLATELET-TYPE, 2; THROMBASTHENIA OF GLANZMANN AND NAEGELI; Glanzmann's thrombasthenia; PLATELET GLYCOPROTEIN IIb-IIIa DEFICIENCY. Identifiers: Orphanet 849, MedGen C0040015, MONDO:0100326.

gnomAD v4.1: 1 of 1,565,616 alleles (0.000064%); highest among the groups gnomAD compares: Non-Finnish European, 0.000086%; no homozygotes.

Submission:

Labcorp Genetics (formerly Invitae), Labcorp
Classification: Uncertain significance for Glanzmann thrombasthenia. Last evaluated: 2025-01-20. Review status: criteria provided, single submitter. Criteria: Invitae Variant Classification Sherloc (09022015). Collection method: clinical testing. Allele origin: germline.
Comment: This sequence change falls in intron 4 of the ITGA2B gene. It does not directly change the encoded amino acid sequence of the ITGA2B protein. It affects a nucleotide within the consensus splice site. The frequency data for this variant in the population databases is considered unreliable, as metrics indicate poor data quality at this position in the gnomAD database. This variant has not been reported in the literature in individuals affected with ITGA2B-related conditions. Variants that disrupt the consensus splice site are a relatively common cause of aberrant splicing (PMID: 17576681, 9536098). Algorithms developed to predict the effect of sequence changes on RNA splicing suggest that this variant may disrupt the consensus splice site. In summary, the available evidence is currently insufficient to determine the role of this variant in disease. Therefore, it has been classified as a Variant of Uncertain Significance.

Literature cited by the submitters: PubMed 17576681; PubMed 9536098.

NM_000419.5(ITGA2B):c.574+3A>G

Gene: ITGA2B (integrin subunit alpha 2b; minus strand). Cytogenetic location: 17q21.31.
Variant type: single nucleotide variant.
Coding change: c.574+3A>G on transcript NM_000419.5 (MANE Select); 3 bases into the intron after coding-DNA position 574, A replaced by G.
Molecular consequence: intron variant.
Genome position (GRCh38, 1-based): chr17:44,385,548, T>C on the plus strand (A>G on the coding strand, the complement: ITGA2B is on the minus strand). VCF-style: chr17-44385548-T-C. GRCh37 (hg19) VCF-style: chr17-42462916-T-C.
Identifiers: ClinVar variation 3723136 (VCV003723136.2).
Genomic context (GRCh38, chr17:44,385,548, plus strand): 5'-ATCCGATGGGGGCGGGGCCAAGCCGTCGCGAGTGGGCGGGGCCAGGTCGTAGCTGGCGCT[T>C]ACTAAAATCATTTTCCACGTAAATGCGGCTCAGGGTGTTCCCGCGACAGGGGGAGTACTC-3'